The following is an entry in ClinVar:

NM_006516.4(SLC2A1):c.763AAG[1] (p.Lys256del)

Gene: SLC2A1 (solute carrier family 2 member 1; minus strand). Cytogenetic location: 1p34.2.
Variant type: Microsatellite.
Coding change: c.763AAG[1] on transcript NM_006516.4 (MANE Select); one copy of the 3-base unit AAG starting at c.763; the reference has two copies in a row; one copy, 3 bases deleted.
Protein change: p.Lys256del; deletes lysine 256.
Molecular consequence: inframe deletion.
Genome position (GRCh38, 1-based): chr1:42,929,692-42,929,694, CTT deleted on the plus strand (AAG on the coding strand, the reverse complement: SLC2A1 is on the minus strand); deleting any 3 consecutive bases within chr1:42,929,692-42,929,699 gives the same sequence; the position shown is the placement nearest the transcript's 3' end. VCF-style (leftmost placement, unchanged base first): chr1-42929691-CCTT-C. GRCh37 (hg19) VCF-style: chr1-43395362-CCTT-C.
Other names: short protein forms K256del.
Identifiers: ClinVar variation 806116 (VCV000806116.53), dbSNP rs1557645931, ClinGen allele CA522805128.
Genomic context (GRCh38, chr1:42,929,691, plus strand): 5'-CCACAGCGATGAGGATGGGCTGGCGGTAGGCGGGGGAGCGGAACAGCTCCAGGATGGTGA[CCTT>C]CTTCTCCCGCATCATCTGCCGACTCTCTTCCTTCATCTCCTGCAGGTCATGGGTCACGTC-3'

ClinVar aggregate classification (germline): Uncertain significance. Review status: criteria provided, multiple submitters, no conflicts (2 of 4 stars). 8 submissions from 4 submitters: Uncertain significance (8). Last evaluated 2025-12-15.

Conditions:
Dystonia 9 (DYT9). Also called: CHOREOATHETOSIS, KINESIGENIC, WITH EPISODIC ATAXIA AND SPASTICITY. Identifiers: Orphanet 53583, MedGen C1832855, MONDO:0010983, OMIM 601042.
Epilepsy, idiopathic generalized, susceptibility to, 12 (EIG12). Identifiers: MedGen C3553859, MONDO:0013919, OMIM 614847.
Hereditary cryohydrocytosis with reduced stomatin. Also called: Stomatin-deficient cryohydrocytosis with neurologic defects; GLUT1 DEFICIENCY SYNDROME WITH PSEUDOHYPERKALEMIA AND HEMOLYSIS. Identifiers: Orphanet 168577, MedGen C1837206, MONDO:0012143, OMIM 608885.
GLUT1 deficiency syndrome 1, autosomal recessive. Identifiers: MedGen C3149117.
Childhood onset GLUT1 deficiency syndrome 2. Also called: PxMD-SLC2A1; PAROXYSMAL EXERCISE-INDUCED DYSKINESIA WITH OR WITHOUT EPILEPSY AND/OR HEMOLYTIC ANEMIA; PAROXYSMAL EXERTION-INDUCED DYSTONIA WITH OR WITHOUT EPILEPSY AND/OR HEMOLYTIC ANEMIA; PED WITH OR WITHOUT EPILEPSY AND/OR HEMOLYTIC ANEMIA; Exertion-induced paroxysmal dyskinesia; GLUT1 deficiency syndrome 2. Identifiers: Orphanet 98811, MedGen C1842534, MONDO:0012805, OMIM 612126.
Encephalopathy due to GLUT1 deficiency. Also called: GLUCOSE TRANSPORT DEFECT, BLOOD-BRAIN BARRIER; Classic Glucose Transporter Type 1 Deficiency Syndrome; De Vivo disease; GLUT1 deficiency syndrome 1, infantile onset, severe; Glucose transporter protein syndrome; GLUT1 deficiency syndrome 1. Identifiers: Orphanet 71277, MedGen C4551966, MONDO:0011724, OMIM 606777.

Submissions (8):

GeneDx
Classification: Uncertain significance. Last evaluated: 2025-12-15. Review status: criteria provided, single submitter. Criteria: GeneDx Variant Classification Process June 2021. Collection method: clinical testing. Allele origin: germline. Affected: yes.
Comment: Not observed at significant frequency in large population cohorts (gnomAD); In-frame deletion of 1 amino acid in a non-repeat region; In silico analysis supports a deleterious effect on protein structure/function; Has not been previously published as pathogenic or benign to our knowledge

Labcorp Genetics (formerly Invitae), Labcorp
Classification: Uncertain significance for GLUT1 deficiency syndrome 1, autosomal recessive. Last evaluated: 2025-12-01. Review status: criteria provided, single submitter. Criteria: Invitae Variant Classification Sherloc (09022015). Collection method: clinical testing. Allele origin: germline.
Comment: This variant, c.766_768del, results in the deletion of 1 amino acid(s) of the SLC2A1 protein (p.Lys256del), but otherwise preserves the integrity of the reading frame. This variant is present in population databases (no rsID available, gnomAD 0.002%). This variant has not been reported in the literature in individuals affected with SLC2A1-related conditions. ClinVar contains an entry for this variant (Variation ID: 806116). In summary, the available evidence is currently insufficient to determine the role of this variant in disease. Therefore, it has been classified as a Variant of Uncertain Significance.

Genome-Nilou Lab
Classification: Uncertain significance for Epilepsy, idiopathic generalized, susceptibility to, 12. Last evaluated: 2023-04-11. Review status: criteria provided, single submitter. Criteria: ACMG Guidelines, 2015. Collection method: clinical testing. Allele origin: germline. Affected: no.

Genome-Nilou Lab
Classification: Uncertain significance for Dystonia 9. Last evaluated: 2023-04-11. Review status: criteria provided, single submitter. Criteria: ACMG Guidelines, 2015. Collection method: clinical testing. Allele origin: germline. Affected: no.

Genome-Nilou Lab
Classification: Uncertain significance for Encephalopathy due to GLUT1 deficiency. Last evaluated: 2023-04-11. Review status: criteria provided, single submitter. Criteria: ACMG Guidelines, 2015. Collection method: clinical testing. Allele origin: germline. Affected: no.

Genome-Nilou Lab
Classification: Uncertain significance for Childhood onset GLUT1 deficiency syndrome 2. Last evaluated: 2023-04-11. Review status: criteria provided, single submitter. Criteria: ACMG Guidelines, 2015. Collection method: clinical testing. Allele origin: germline. Affected: no.

Genome-Nilou Lab
Classification: Uncertain significance for Hereditary cryohydrocytosis with reduced stomatin. Last evaluated: 2023-04-11. Review status: criteria provided, single submitter. Criteria: ACMG Guidelines, 2015. Collection method: clinical testing. Allele origin: germline. Affected: no.

CeGaT Center for Human Genetics Tuebingen
Classification: Uncertain significance. Last evaluated: 2019-05-01. Review status: criteria provided, single submitter. Criteria: CeGaT Center For Human Genetics Tuebingen Variant Classification Criteria Version 2. Collection method: clinical testing. Allele origin: germline. Affected: yes. Observed: 1 variant allele.